The following is an entry in ClinVar:

ClinVar aggregate classification (germline): Uncertain significance (1 of 4 stars; one submission).

Allele frequency attached by ClinVar (database versions not stated): TOPMed below 0.00001; gnomAD 0.00001.
gnomAD v4.1: 1 of 1,613,874 alleles (0.000062%); highest among the groups gnomAD compares: Non-Finnish European, 0.000085%; no homozygotes.

Submission:

Labcorp Genetics (formerly Invitae), Labcorp
Classification: Uncertain significance. Last evaluated: 2022-01-26. Review status: criteria provided, single submitter. Criteria: Invitae Variant Classification Sherloc (09022015). Collection method: clinical testing. Allele origin: germline.
Comment: In summary, the available evidence is currently insufficient to determine the role of this variant in disease. Therefore, it has been classified as a Variant of Uncertain Significance. Algorithms developed to predict the effect of missense changes on protein structure and function (SIFT, PolyPhen-2, Align-GVGD) all suggest that this variant is likely to be tolerated. This variant has not been reported in the literature in individuals affected with WDR1-related conditions. This variant is not present in population databases (gnomAD no frequency). This sequence change replaces methionine, which is neutral and non-polar, with isoleucine, which is neutral and non-polar, at codon 555 of the WDR1 protein (p.Met555Ile).

NM_017491.5(WDR1):c.1665G>A (p.Met555Ile)

Gene: WDR1 (WD repeat domain 1; minus strand). Cytogenetic location: 4p16.1.
Variant type: single nucleotide variant.
Coding change: c.1665G>A on transcript NM_017491.5 (MANE Select); coding-DNA position 1665, G replaced by A.
Protein change: p.Met555Ile; replaces methionine 555 with isoleucine.
Molecular consequence: missense variant.
Genome position (GRCh38, 1-based): chr4:10,077,353, C>T on the plus strand (G>A on the coding strand, the complement: WDR1 is on the minus strand). VCF-style: chr4-10077353-C-T. GRCh37 (hg19) VCF-style: chr4-10078977-C-T.
Other names: c.1245G>A, p.Met415Ile (NM_005112.5); short protein forms M555I, M415I.
Identifiers: ClinVar variation 1967593 (VCV001967593.5), dbSNP rs1764838102, ClinGen allele CA356354276.